The following is an entry in ClinVar:

ClinVar aggregate classification (germline): Pathogenic. Review status: criteria provided, multiple submitters, no conflicts (2 of 4 stars). 2 submissions from 2 submitters: Pathogenic (2). Last evaluated 2022-01-13.

Conditions:
Microcephaly 5, primary, autosomal recessive (MCPH5). Also called: ASPM Primary Microcephaly. Identifiers: Orphanet 2512, MedGen C1837501, MONDO:0012106, OMIM 608716.

Submissions (2):

Labcorp Genetics (formerly Invitae), Labcorp
Classification: Pathogenic. Last evaluated: 2022-01-13. Review status: criteria provided, single submitter. Criteria: Invitae Variant Classification Sherloc (09022015). Collection method: clinical testing. Allele origin: germline.
Comment: This variant has not been reported in the literature in individuals affected with ASPM-related conditions. For these reasons, this variant has been classified as Pathogenic. This sequence change creates a premature translational stop signal (p.Arg2005Serfs*48) in the ASPM gene. It is expected to result in an absent or disrupted protein product. Loss-of-function variants in ASPM are known to be pathogenic (PMID: 19028728, 23611254). This variant is not present in population databases (gnomAD no frequency).

Juno Genomics, Hangzhou Juno Genomics, Inc
Classification: Pathogenic for Microcephaly 5, primary, autosomal recessive. Review status: criteria provided, single submitter. Criteria: ACMG Guidelines, 2015. Collection method: clinical testing. Allele origin: germline. Affected: yes.
Comment: Absent from controls (or at extremely low frequency if recessive) in Genome Aggregation Database, Exome Sequencing Project, 1000 Genomes Project, or Exome Aggregation Consortium.;Null variant in a gene where loss of function (LOF) is a known mechanism of disease.;For recessive disorders, detected in trans with a pathogenic variant.;Co-segregation with disease in multiple affected family members in a gene definitively known to cause the disease.

Literature cited by the submitters: PubMed 19028728 (cited by Labcorp Genetics (formerly Invitae), Labcorp); PubMed 23611254 (cited by Labcorp Genetics (formerly Invitae), Labcorp).

NM_018136.5(ASPM):c.6015_6016del (p.Arg2005fs)

Gene: ASPM (assembly factor for spindle microtubules; minus strand). Cytogenetic location: 1q31.3.
Variant type: Deletion.
Coding change: c.6015_6016del on transcript NM_018136.5 (MANE Select); coding-DNA positions 6015 to 6016, 2 bases deleted (GG; older notation c.6015_6016delGG).
Protein change: p.Arg2005fs; shifts the reading frame from arginine 2005.
Molecular consequence: frameshift variant. On other transcripts: intron variant (1).
Genome position (GRCh38, 1-based): chr1:197,103,235-197,103,236, CC deleted on the plus strand (GG on the coding strand, the reverse complement: ASPM is on the minus strand); deleting any 2 consecutive bases within chr1:197,103,235-197,103,237 gives the same sequence; the c. name uses the placement nearest the transcript's 3' end. VCF-style (leftmost placement, unchanged base first): chr1-197103234-GCC-G. GRCh37 (hg19) VCF-style: chr1-197072364-GCC-G.
Other names: c.4066-7072_4066-7071del (NM_001206846.2); short protein forms R2005fs.
Identifiers: ClinVar variation 2082090 (VCV002082090.6), dbSNP rs2527298688, ClinGen allele CA2580061879.